The following is an entry in ClinVar:

NM_000222.3(KIT):c.2312G>A (p.Ser771Asn)

Gene: KIT (KIT proto-oncogene, receptor tyrosine kinase; plus strand). Cytogenetic location: 4q12.
Variant type: single nucleotide variant.
Coding change: c.2312G>A on transcript NM_000222.3 (MANE Select); coding-DNA position 2312, G replaced by A.
Protein change: p.Ser771Asn; replaces serine 771 with asparagine.
Molecular consequence: missense variant.
Genome position (GRCh38, 1-based): chr4:54,731,949, G>A. VCF-style: chr4-54731949-G-A. GRCh37 (hg19) VCF-style: chr4-55598115-G-A.
Other names: c.2297G>A, p.Ser766Asn (NM_001385286.1); c.2303G>A, p.Ser768Asn (NM_001385288.1); c.2312G>A, p.Ser771Asn (NM_001385290.1); c.2300G>A, p.Ser767Asn (NM_001385292.1, NM_001093772.2); c.2315G>A, p.Ser772Asn (NM_001385284.1); c.2309G>A, p.Ser770Asn (NM_001385285.1); short protein forms S766N, S772N, S770N, S771N, S767N, S768N.
Identifiers: ClinVar variation 2785700 (VCV002785700.4), dbSNP rs1578001412, ClinGen allele CA356911006.

ClinVar aggregate classification (germline): Uncertain significance. Review status: criteria provided, multiple submitters, no conflicts (2 of 4 stars). 2 submissions from 2 submitters: Uncertain significance (2). Last evaluated 2025-04-24.

Conditions:
Gastrointestinal stromal tumor. Also called: Gastrointestinal stromal tumor, somatic; Gastrointestinal stroma tumor. Identifiers: Orphanet 44890, MedGen C0238198, MeSH D046152, MONDO:0011719, OMIM 606764, HP:0100723.
Hereditary cancer-predisposing syndrome. Also called: Neoplastic Syndromes, Hereditary; Tumor predisposition; Hereditary Cancer Syndrome; Hereditary neoplastic syndrome. Identifiers: Orphanet 140162, MedGen C0027672, MeSH D009386, MONDO:0015356.

Submissions (2):

Ambry Genetics
Classification: Uncertain significance for Hereditary cancer-predisposing syndrome. Last evaluated: 2025-04-24. Review status: criteria provided, single submitter. Criteria: Ambry Variant Classification Scheme 2023. Collection method: clinical testing. Allele origin: germline.
Comment: The p.S771N variant (also known as c.2312G>A), located in coding exon 16 of the KIT gene, results from a G to A substitution at nucleotide position 2312. The serine at codon 771 is replaced by asparagine, an amino acid with highly similar properties. This amino acid position is conserved. In addition, this alteration is predicted to be tolerated by in silico analysis. Based on the available evidence, the clinical significance of this variant remains unclear.

Labcorp Genetics (formerly Invitae), Labcorp
Classification: Uncertain significance for Gastrointestinal stromal tumor. Last evaluated: 2023-11-05. Review status: criteria provided, single submitter. Criteria: Invitae Variant Classification Sherloc (09022015). Collection method: clinical testing. Allele origin: germline.
Comment: This sequence change replaces serine, which is neutral and polar, with asparagine, which is neutral and polar, at codon 771 of the KIT protein (p.Ser771Asn). This variant is not present in population databases (gnomAD no frequency). This variant has not been reported in the literature in individuals affected with KIT-related conditions. An algorithm developed to predict the effect of missense changes on protein structure and function (PolyPhen-2) suggests that this variant is likely to be tolerated. In summary, the available evidence is currently insufficient to determine the role of this variant in disease. Therefore, it has been classified as a Variant of Uncertain Significance.